The following is an entry in ClinVar:

ClinVar aggregate classification (germline): Uncertain significance (1 of 4 stars; one submission).

Submission:

GeneDx
Classification: Uncertain significance. Last evaluated: 2012-08-28. Review status: criteria provided, single submitter. Criteria: GeneDx Variant Classification (06012015). Collection method: clinical testing. Allele origin: germline. Affected: yes.
Comment: c.477+5 G>A:IVS2+5 G>A in intron 2 of the KCNQ3 gene (NM_004519.2) The c.477+5 G>A nucleotide substitution has not been published as a mutation, nor has it been reported as a benign polymorphism to our knowledge. In silico algorithms predict it may damage or even destroy the natural splice donor site at the exon 2/intron 2 boundary, possibly leading to abnormal gene splicing. However, no splice mutations in the KCNQ3 gene have been published, and in the absence of RNA/functional studies, the actual effect of the c.477+5 G>A sequence change is unknown. The variant is found in INFANT-EPI panel(s).

NM_004519.4(KCNQ3):c.477+5G>A

Gene: KCNQ3 (potassium voltage-gated channel subfamily Q member 3; minus strand). Cytogenetic location: 8q24.22.
Variant type: single nucleotide variant.
Coding change: c.477+5G>A on transcript NM_004519.4 (MANE Select); 5 bases into the intron after coding-DNA position 477, G replaced by A.
Molecular consequence: intron variant.
Genome position (GRCh38, 1-based): chr8:132,186,086, C>T on the plus strand (G>A on the coding strand, the complement: KCNQ3 is on the minus strand). VCF-style: chr8-132186086-C-T. GRCh37 (hg19) VCF-style: chr8-133198333-C-T.
Other names: c.117+5G>A (NM_001204824.2).
Identifiers: ClinVar variation 205959 (VCV000205959.2), dbSNP rs373813381, ClinGen allele CA315586.